The following is an entry in ClinVar:

NM_001048174.2(MUTYH):c.1519T>G (p.Ser507Ala)

Gene: MUTYH (mutY DNA glycosylase; minus strand). Cytogenetic location: 1p34.1.
Variant type: single nucleotide variant.
Coding change: c.1519T>G on transcript NM_001048174.2 (MANE Select); coding-DNA position 1519, T replaced by G.
Protein change: p.Ser507Ala; replaces serine 507 with alanine.
Molecular consequence: missense variant. On other transcripts: non-coding transcript variant (2).
Genome position (GRCh38, 1-based): chr1:45,329,353, A>C on the plus strand (T>G on the coding strand, the complement: MUTYH is on the minus strand). VCF-style: chr1-45329353-A-C. GRCh37 (hg19) VCF-style: chr1-45795025-A-C.
Other names: c.1519T>G, p.Ser507Ala (NM_001048171.2, NM_001048173.2, NM_001293195.2); c.1522T>G, p.Ser508Ala (NM_001048172.2); c.1603T>G, p.Ser535Ala (NM_001128425.2); c.1564T>G, p.Ser522Ala (NM_001293190.2); c.1552T>G, p.Ser518Ala (NM_001293191.2); c.1243T>G, p.Ser415Ala (NM_001293192.2, NM_001293196.2); c.1174T>G, p.Ser392Ala (NM_001350650.2, NM_001350651.2); c.1594T>G, p.Ser532Ala (NM_012222.3); and 1 more; short protein forms S518A, S522A, S508A, S392A, S507A, S532A, S415A, S535A.
Identifiers: ClinVar variation 1499605 (VCV001499605.9), dbSNP rs2149088099, ClinGen allele CA340131617.

ClinVar aggregate classification (germline): Uncertain significance. Review status: criteria provided, multiple submitters, no conflicts (2 of 4 stars). 2 submissions from 2 submitters: Uncertain significance (2). Last evaluated 2025-08-27.

Conditions:
Hereditary cancer-predisposing syndrome. Also called: Tumor predisposition; Neoplastic Syndromes, Hereditary; Hereditary Cancer Syndrome; Hereditary neoplastic syndrome. Identifiers: Orphanet 140162, MedGen C0027672, MeSH D009386, MONDO:0015356.
Familial adenomatous polyposis 2. Also called: MYH-associated polyposis; Adenomas, multiple colorectal; COLORECTAL ADENOMATOUS POLYPOSIS, AUTOSOMAL RECESSIVE; ADENOMAS, MULTIPLE COLORECTAL, AUTOSOMAL RECESSIVE; FAP type 2; MUTYH Polyposis. Identifiers: Orphanet 220460, Orphanet 247798, MedGen C3272841, MONDO:0012041, OMIM 608456.

Submissions (2):

Ambry Genetics
Classification: Uncertain significance for Hereditary cancer-predisposing syndrome. Last evaluated: 2025-08-27. Review status: criteria provided, single submitter. Criteria: Ambry Variant Classification Scheme 2023. Collection method: clinical testing. Allele origin: germline.
Comment: The p.S535A variant (also known as c.1603T>G), located in coding exon 16 of the MUTYH gene, results from a T to G substitution at nucleotide position 1603. The serine at codon 535 is replaced by alanine, an amino acid with similar properties. This amino acid position is conserved. In addition, this alteration is predicted to be tolerated by in silico analysis. Based on the available evidence, the clinical significance of this variant remains unclear.

Labcorp Genetics (formerly Invitae), Labcorp
Classification: Uncertain significance for Familial adenomatous polyposis 2. Last evaluated: 2021-08-27. Review status: criteria provided, single submitter. Criteria: Invitae Variant Classification Sherloc (09022015). Collection method: clinical testing. Allele origin: germline.
Comment: In summary, the available evidence is currently insufficient to determine the role of this variant in disease. Therefore, it has been classified as a Variant of Uncertain Significance. Algorithms developed to predict the effect of missense changes on protein structure and function (SIFT, PolyPhen-2, Align-GVGD) all suggest that this variant is likely to be tolerated, but these predictions have not been confirmed by published functional studies and their clinical significance is uncertain. This variant has not been reported in the literature in individuals with MUTYH-related conditions. This variant is not present in population databases (ExAC no frequency). This sequence change replaces serine with alanine at codon 535 of the MUTYH protein (p.Ser535Ala). The serine residue is weakly conserved and there is a moderate physicochemical difference between serine and alanine.